The following is an entry in ClinVar:

NM_004606.5(TAF1):c.2633G>C (p.Arg878Thr)

Gene: TAF1 (TATA-box binding protein associated factor 1; plus strand). Cytogenetic location: Xq13.1.
Variant type: single nucleotide variant.
Coding change: c.2633G>C on transcript NM_004606.5 (MANE Select); coding-DNA position 2633, G replaced by C.
Protein change: p.Arg878Thr; replaces arginine 878 with threonine.
Molecular consequence: missense variant. On other transcripts: non-coding transcript variant (9).
Genome position (GRCh38, 1-based): chrX:71,388,801, G>C. VCF-style: chrX-71388801-G-C. GRCh37 (hg19) VCF-style: chrX-70608651-G-C.
Other names: c.2633G>C, p.Arg878Thr (NM_001286074.2, NM_001440852.1, NM_001440853.1); c.2570G>C, p.Arg857Thr (NM_001440854.1, NM_138923.4); short protein forms R878T, R857T.
Identifiers: ClinVar variation 4710968 (VCV004710968.1).

ClinVar aggregate classification (germline): Uncertain significance (1 of 4 stars; one submission).

gnomAD v4.1: 6 of 1,211,743 alleles (0.0005%); highest among the groups gnomAD compares: Non-Finnish European, 0.00067%; no homozygotes.

Submission:

Labcorp Genetics (formerly Invitae), Labcorp
Classification: Uncertain significance. Last evaluated: 2025-03-05. Review status: criteria provided, single submitter. Criteria: Invitae Variant Classification Sherloc (09022015). Collection method: clinical testing. Allele origin: germline.
Comment: This sequence change replaces arginine, which is basic and polar, with threonine, which is neutral and polar, at codon 898 of the TAF1 protein (p.Arg898Thr). This variant is not present in population databases (gnomAD no frequency). This variant has not been reported in the literature in individuals affected with TAF1-related conditions. Invitae Evidence Modeling of protein sequence and biophysical properties (such as structural, functional, and spatial information, amino acid conservation, physicochemical variation, residue mobility, and thermodynamic stability) indicates that this missense variant is expected to disrupt TAF1 protein function with a positive predictive value of 80%. In summary, the available evidence is currently insufficient to determine the role of this variant in disease. Therefore, it has been classified as a Variant of Uncertain Significance.